The following is an entry in ClinVar:

ClinVar aggregate classification (germline): Uncertain significance (1 of 4 stars; one submission).

Conditions:
Developmental and epileptic encephalopathy 94 (DEE94). Also called: Epileptic encephalopathy, childhood-onset; CHD2-Related Neurodevelopmental Disorders. Identifiers: Orphanet 1942, Orphanet 2382, MedGen C3809278, MONDO:0014150, OMIM 615369.

Submission:

Labcorp Genetics (formerly Invitae), Labcorp
Classification: Uncertain significance for Developmental and epileptic encephalopathy 94. Last evaluated: 2022-02-15. Review status: criteria provided, single submitter. Criteria: Invitae Variant Classification Sherloc (09022015). Collection method: clinical testing. Allele origin: germline.
Comment: This variant is not present in population databases (gnomAD no frequency). This sequence change replaces threonine, which is neutral and polar, with isoleucine, which is neutral and non-polar, at codon 1249 of the CHD2 protein (p.Thr1249Ile). This variant has not been reported in the literature in individuals affected with CHD2-related conditions. Advanced modeling of protein sequence and biophysical properties (such as structural, functional, and spatial information, amino acid conservation, physicochemical variation, residue mobility, and thermodynamic stability) performed at Invitae indicates that this missense variant is not expected to disrupt CHD2 protein function. In summary, the available evidence is currently insufficient to determine the role of this variant in disease. Therefore, it has been classified as a Variant of Uncertain Significance.

NM_001271.4(CHD2):c.3746C>T (p.Thr1249Ile)

Gene: CHD2 (chromodomain helicase DNA binding protein 2; plus strand). Cytogenetic location: 15q26.1.
Variant type: single nucleotide variant.
Coding change: c.3746C>T on transcript NM_001271.4 (MANE Select); coding-DNA position 3746, C replaced by T.
Protein change: p.Thr1249Ile; replaces threonine 1249 with isoleucine.
Molecular consequence: missense variant.
Genome position (GRCh38, 1-based): chr15:92,997,264, C>T. VCF-style: chr15-92997264-C-T. GRCh37 (hg19) VCF-style: chr15-93540494-C-T.
Other names: short protein forms T1249I.
Identifiers: ClinVar variation 2092395 (VCV002092395.4), dbSNP rs2505590702, ClinGen allele CA393898251.